The following is an entry in ClinVar:

NM_006231.4(POLE):c.318T>C (p.Ile106=)

Gene: POLE (DNA polymerase epsilon, catalytic subunit; minus strand). Cytogenetic location: 12q24.33.
Variant type: single nucleotide variant.
Coding change: c.318T>C on transcript NM_006231.4 (MANE Select); coding-DNA position 318, T replaced by C.
Protein change: p.Ile106=; no amino-acid change (isoleucine 106 retained).
Molecular consequence: synonymous variant.
Genome position (GRCh38, 1-based): chr12:132,680,190, A>G on the plus strand (T>C on the coding strand, the complement: POLE is on the minus strand). VCF-style: chr12-132680190-A-G. GRCh37 (hg19) VCF-style: chr12-133256776-A-G.
Other names: p.Ile106=.
Identifiers: ClinVar variation 389081 (VCV000389081.27), dbSNP rs770759936, ClinGen allele CA6894364.

ClinVar aggregate classification (germline): Likely benign. Review status: criteria provided, multiple submitters, no conflicts (2 of 4 stars). 9 submissions from 9 submitters: Likely benign (9). Last evaluated 2026-01-14.

Conditions:
Colorectal cancer, susceptibility to, 12 (CRCS12). Also called: COLORECTAL CANCER, SUSCEPTIBILITY TO, ON CHROMOSOME 12q24. Identifiers: Orphanet 220460, MedGen C3554460, MONDO:0014038, OMIM 615083.
Hereditary cancer-predisposing syndrome. Also called: Tumor predisposition; Neoplastic Syndromes, Hereditary; Hereditary neoplastic syndrome; Hereditary Cancer Syndrome. Identifiers: Orphanet 140162, MedGen C0027672, MeSH D009386, MONDO:0015356.
Facial dysmorphism-immunodeficiency-livedo-short stature syndrome. Also called: Facial dysmorphism, immunodeficiency, livedo, and short stature; FILS syndrome. Identifiers: Orphanet 352712, MedGen C3554576, MONDO:0014058, OMIM 615139.
Intrauterine growth retardation, metaphyseal dysplasia, adrenal hypoplasia congenita, genital anomalies, and immunodeficiency. Also called: IMAGEI SYNDROME. Identifiers: MedGen C5193036, MONDO:0032684, OMIM 618336.

Allele frequency attached by ClinVar (database versions not stated): ExAC 0.00001; TOPMed 0.00001; gnomAD exomes 0.00002 and 0.00003.
gnomAD v4.1: 51 of 1,614,180 alleles (0.0032%); highest among the groups gnomAD compares: Middle Eastern, 0.63%; 2 homozygotes.

Submissions (9):

Labcorp Genetics (formerly Invitae), Labcorp
Classification: Likely benign. Last evaluated: 2026-01-14. Review status: criteria provided, single submitter. Criteria: Invitae Variant Classification Sherloc (09022015). Collection method: clinical testing. Allele origin: germline.

Center for Genomic Medicine, Rigshospitalet, Copenhagen University Hospital
Classification: Likely benign. Last evaluated: 2025-03-04. Review status: criteria provided, single submitter. Criteria: ACMG Guidelines, 2015. Collection method: clinical testing. Allele origin: germline.

Mayo Clinic Laboratories, Mayo Clinic
Classification: Likely benign. Last evaluated: 2025-02-19. Review status: criteria provided, single submitter. Criteria: ACMG Guidelines, 2015. Collection method: clinical testing. Allele origin: germline. Observed: 1 variant allele.
Comment: BP4, BP7

Blueprint Genetics
Classification: Likely benign. Last evaluated: 2024-09-19. Review status: criteria provided, single submitter. Criteria: ACMG Guidelines, 2015. Collection method: clinical testing. Allele origin: germline.

KCCC/NGS Laboratory, Kuwait Cancer Control Center
Classification: Likely benign for Colorectal cancer, susceptibility to, 12. Last evaluated: 2023-07-07. Review status: criteria provided, single submitter. Criteria: ACMG Guidelines, 2015. Collection method: clinical testing. Allele origin: germline. Affected: yes.

Fulgent Genetics
Classification: Likely benign for Colorectal cancer, susceptibility to, 12; Facial dysmorphism-immunodeficiency-livedo-short stature syndrome; Intrauterine growth retardation, metaphyseal dysplasia, adrenal hypoplasia congenita, genital anomalies, and immunodeficiency. Last evaluated: 2022-05-16. Review status: criteria provided, single submitter. Criteria: ACMG Guidelines, 2015. Collection method: clinical testing. Allele origin: unknown.

GeneDx
Classification: Likely benign. Last evaluated: 2020-07-26. Review status: criteria provided, single submitter. Criteria: GeneDx Variant Classification Process June 2021. Collection method: clinical testing. Allele origin: germline. Affected: yes.

Ambry Genetics
Classification: Likely benign for Hereditary cancer-predisposing syndrome. Last evaluated: 2018-04-26. Review status: criteria provided, single submitter. Criteria: Ambry Variant Classification Scheme 2023. Collection method: clinical testing. Allele origin: germline.

Quest Diagnostics Nichols Institute San Juan Capistrano
Classification: Likely benign. Last evaluated: 2017-12-02. Review status: criteria provided, single submitter. Criteria: Quest Diagnostics criteria. Collection method: clinical testing. Allele origin: germline.